The following is an entry in ClinVar:

NM_001127511.3(APC):c.-94C>A

Gene: APC (APC regulator of Wnt signaling pathway; plus strand). Cytogenetic location: 5q22.2.
Variant type: single nucleotide variant.
Coding change: c.-94C>A on transcript NM_001127511.3; 94 bases upstream of the start codon, C replaced by A.
Molecular consequence: 5 prime UTR variant. On other transcripts: non-coding transcript variant (2).
Genome position (GRCh38, 1-based): chr5:112,707,624, C>A. VCF-style: chr5-112707624-C-A. GRCh37 (hg19) VCF-style: chr5-112043321-C-A.
Other names: c.-277C>A (NM_001354895.2, NM_001407447.1, NM_001407452.1 and 3 more transcripts); c.-94C>A (NM_001354897.2, NM_001354902.2, NM_001407446.1); c.-44C>A (NM_001407448.1, NM_001407450.1, NM_001407457.1 and 1 more transcripts); c.-68C>A (NM_001407453.1); c.-1312C>A (NM_001407470.1, NM_001407472.1).
Identifiers: ClinVar variation 1000480 (VCV001000480.9), dbSNP rs1219858068, ClinGen allele CA1573442552.

ClinVar aggregate classification (germline): Uncertain significance (1 of 4 stars; one submission).

Conditions:
Familial adenomatous polyposis 1 (FAP1). Also called: FAMILIAL ADENOMATOUS POLYPOSIS 1, ATTENUATED; POLYPOSIS, ADENOMATOUS INTESTINAL. Identifiers: MedGen C2713442, MONDO:0021056, OMIM 175100. Disease mechanism: loss of function.

gnomAD v4.1: 1 of 1,296,860 alleles (0.000077%); highest among the groups gnomAD compares: Non-Finnish European, 0.0001%; no homozygotes.

Submission:

Labcorp Genetics (formerly Invitae), Labcorp
Classification: Uncertain significance for Familial adenomatous polyposis 1. Last evaluated: 2025-07-13. Review status: criteria provided, single submitter. Criteria: Invitae Variant Classification Sherloc (09022015). Collection method: clinical testing. Allele origin: germline.
Comment: This variant occurs in a non-coding region of the APC gene. It does not change the encoded amino acid sequence of the APC protein. This variant is not present in population databases (gnomAD no frequency). This variant has not been reported in the literature in individuals affected with APC-related conditions. Experimental studies and prediction algorithms are not available or were not evaluated, and the functional significance of this variant is currently unknown. In summary, the available evidence is currently insufficient to determine the role of this variant in disease. Therefore, it has been classified as a Variant of Uncertain Significance.